The following is an entry in ClinVar:

NM_018124.4(RFWD3):c.399G>A (p.Met133Ile)

Gene: RFWD3 (ring finger and WD repeat domain 3; minus strand). Cytogenetic location: 16q23.1.
Variant type: single nucleotide variant.
Coding change: c.399G>A on transcript NM_018124.4 (MANE Select); coding-DNA position 399, G replaced by A.
Protein change: p.Met133Ile; replaces methionine 133 with isoleucine.
Molecular consequence: missense variant. On other transcripts: 5 prime UTR variant (4), intron variant (1).
Genome position (GRCh38, 1-based): chr16:74,661,051, C>T on the plus strand (G>A on the coding strand, the complement: RFWD3 is on the minus strand). VCF-style: chr16-74661051-C-T. GRCh37 (hg19) VCF-style: chr16-74694949-C-T.
Other names: c.399G>A, p.Met133Ile (NM_001370534.1, NM_001370535.1, NM_001370536.1); c.-610G>A (NM_001370537.1); c.-233G>A (NM_001370539.1, NM_001370541.1); c.-487G>A (NM_001370542.1); c.-365G>A (NM_001370543.1); c.-317+3573G>A (NM_001370540.1); short protein forms M133I.
Identifiers: ClinVar variation 2739664 (VCV002739664.3), dbSNP rs2544140859, ClinGen allele CA396763986.

ClinVar aggregate classification (germline): Uncertain significance (1 of 4 stars; one submission).

Allele frequency attached by ClinVar (database versions not stated): gnomAD exomes below 0.00001.

Submission:

Labcorp Genetics (formerly Invitae), Labcorp
Classification: Uncertain significance. Last evaluated: 2023-07-09. Review status: criteria provided, single submitter. Criteria: Invitae Variant Classification Sherloc (09022015). Collection method: clinical testing. Allele origin: germline.
Comment: In summary, the available evidence is currently insufficient to determine the role of this variant in disease. Therefore, it has been classified as a Variant of Uncertain Significance. An algorithm developed to predict the effect of missense changes on protein structure and function (PolyPhen-2) suggests that this variant is likely to be tolerated. This variant has not been reported in the literature in individuals affected with RFWD3-related conditions. This variant is not present in population databases (gnomAD no frequency). This sequence change replaces methionine, which is neutral and non-polar, with isoleucine, which is neutral and non-polar, at codon 133 of the RFWD3 protein (p.Met133Ile).